The following is an entry in ClinVar:

ClinVar aggregate classification (germline): Uncertain significance (1 of 4 stars; one submission).

Submission:

Labcorp Genetics (formerly Invitae), Labcorp
Classification: Uncertain significance. Last evaluated: 2022-03-10. Review status: criteria provided, single submitter. Criteria: Invitae Variant Classification Sherloc (09022015). Collection method: clinical testing. Allele origin: germline.
Comment: In summary, the available evidence is currently insufficient to determine the role of this variant in disease. Therefore, it has been classified as a Variant of Uncertain Significance. Experimental studies and prediction algorithms are not available or were not evaluated, and the functional significance of this variant is currently unknown. This variant has not been reported in the literature in individuals affected with CYP4V2-related conditions. This variant is present in population databases (rs759932318, gnomAD 0.006%). This variant, c.687_689del, results in the deletion of 1 amino acid(s) of the CYP4V2 protein (p.Met229del), but otherwise preserves the integrity of the reading frame.

NM_207352.4(CYP4V2):c.684GAT[1] (p.Met229del)

Gene: CYP4V2 (cytochrome P450 family 4 subfamily V member 2; plus strand). Cytogenetic location: 4q35.1.
Variant type: Microsatellite.
Coding change: c.684GAT[1] on transcript NM_207352.4 (MANE Select); one copy of the 3-base unit GAT starting at c.684; the reference has two copies in a row; one copy, 3 bases deleted.
Protein change: p.Met229del; deletes methionine 229.
Molecular consequence: inframe deletion.
Genome position (GRCh38, 1-based): chr4:186,198,969-186,198,971, GAT deleted; deleting any 3 consecutive bases within chr4:186,198,966-186,198,971 gives the same sequence; the position shown is the placement nearest the transcript's 3' end. VCF-style (leftmost placement, unchanged base first): chr4-186198965-AGAT-A. GRCh37 (hg19) VCF-style: chr4-187120119-AGAT-A.
Other names: short protein forms M229del.
Identifiers: ClinVar variation 1054346 (VCV001054346.9), dbSNP rs759932318, ClinGen allele CA3162634.